The following is an entry in ClinVar:

ClinVar aggregate classification (germline): Benign/Likely benign. Review status: criteria provided, multiple submitters, no conflicts (2 of 4 stars). 2 submissions from 2 submitters: Benign (1); Likely benign (1). Last evaluated 2025-12-19.

Allele frequency attached by ClinVar (database versions not stated): 1000 Genomes Project 30x 0.00094; TOPMed 0.00107; 1000 Genomes Project 0.00120; ESP Exome Variant Server 0.00162; gnomAD exomes 0.00271; gnomAD 0.00340; ExAC 0.00378.
gnomAD v4.1: 4,435 of 1,611,364 alleles (0.28%); highest among the groups gnomAD compares: Non-Finnish European, 0.21%; 30 homozygotes.

Submissions (2):

Labcorp Genetics (formerly Invitae), Labcorp
Classification: Benign. Last evaluated: 2025-12-19. Review status: criteria provided, single submitter. Criteria: Invitae Variant Classification Sherloc (09022015). Collection method: clinical testing. Allele origin: germline.

CeGaT Center for Human Genetics Tuebingen
Classification: Likely benign. Last evaluated: 2025-08-01. Review status: criteria provided, single submitter. Criteria: CeGaT Center For Human Genetics Tuebingen Variant Classification Criteria Version 2. Collection method: clinical testing. Allele origin: germline. Affected: yes. Observed: 2 variant alleles.
Comment: IREB2: BP4, BP7

NM_004136.4(IREB2):c.613T>C (p.Leu205=)

Gene: IREB2 (iron responsive element binding protein 2; plus strand). Cytogenetic location: 15q25.1.
Variant type: single nucleotide variant.
Coding change: c.613T>C on transcript NM_004136.4 (MANE Select); coding-DNA position 613, T replaced by C.
Protein change: p.Leu205=; no amino-acid change (leucine 205 retained).
Molecular consequence: synonymous variant. On other transcripts: 5 prime UTR variant (1).
Genome position (GRCh38, 1-based): chr15:78,466,473, T>C. VCF-style: chr15-78466473-T-C. GRCh37 (hg19) VCF-style: chr15-78758815-T-C.
Other names: c.-68T>C (NM_001320941.2); c.442T>C, p.Leu148= (NM_001320942.2, NM_001354994.2); c.613T>C, p.Leu205= (NM_001320943.2).
Identifiers: ClinVar variation 2123507 (VCV002123507.28), dbSNP rs148145119, ClinGen allele CA7682738.